The following is an entry in ClinVar:

NM_000143.4(FH):c.1450G>T (p.Glu484Ter)

Gene: FH (fumarate hydratase; minus strand). Cytogenetic location: 1q43.
Variant type: single nucleotide variant.
Coding change: c.1450G>T on transcript NM_000143.4 (MANE Select); coding-DNA position 1450, G replaced by T.
Protein change: p.Glu484Ter; replaces glutamic acid 484 with a stop codon.
Molecular consequence: nonsense.
Genome position (GRCh38, 1-based): chr1:241,497,911, C>A on the plus strand (G>T on the coding strand, the complement: FH is on the minus strand). VCF-style: chr1-241497911-C-A. GRCh37 (hg19) VCF-style: chr1-241661211-C-A.
Other names: short protein forms E484*.
Identifiers: ClinVar variation 2758980 (VCV002758980.4), dbSNP rs2527308465, ClinGen allele CA345450617.
Genomic context (GRCh38, chr1:241,497,911, plus strand): 5'-TAGGTTTTACCCATTCGTCAAACTGCTCTGCTGTGAGATAGCCAAGTTCGATAGCAGTTT[C>A]CTTTAAGGTTGATCCATTTTTGTGTGCTGTCTTAGCAATCTTTGCTGCCTTGTCATACCC-3'

ClinVar aggregate classification (germline): Pathogenic. Review status: criteria provided, multiple submitters, no conflicts (2 of 4 stars). 2 submissions from 2 submitters: Pathogenic (2). Last evaluated 2025-02-28.

Conditions:
Hereditary cancer-predisposing syndrome. Also called: Neoplastic Syndromes, Hereditary; Hereditary Cancer Syndrome; Hereditary neoplastic syndrome; Tumor predisposition. Identifiers: Orphanet 140162, MedGen C0027672, MeSH D009386, MONDO:0015356.

Submissions (2):

Ambry Genetics
Classification: Pathogenic for Hereditary cancer-predisposing syndrome. Last evaluated: 2025-02-28. Review status: criteria provided, single submitter. Criteria: Ambry Variant Classification Scheme 2023. Collection method: clinical testing. Allele origin: germline.
Comment: The p.E484* pathogenic mutation (also known as c.1450G>T), located in coding exon 10 of the FH gene, results from a G to T substitution at nucleotide position 1450. This changes the amino acid from a glutamic acid to a stop codon within coding exon 10. This alteration occurs at the 3' terminus of theFH gene, is not expected to trigger nonsense-mediated mRNA decay, and impacts the last 5% of the protein. However, premature stop codons are typically deleterious in nature and the impacted region is critical for protein function (Ambry internal data). This variant was reported in individual(s) with features consistent with FH-associated disease (Ambry internal data). This variant is considered to be rare based on population cohorts in the Genome Aggregation Database (gnomAD). Based on the supporting evidence, this variant is interpreted as a disease-causing mutation.

Labcorp Genetics (formerly Invitae), Labcorp
Classification: Pathogenic. Last evaluated: 2024-06-10. Review status: criteria provided, single submitter. Criteria: Invitae Variant Classification Sherloc (09022015). Collection method: clinical testing. Allele origin: germline.
Comment: This sequence change creates a premature translational stop signal (p.Glu484*) in the FH gene. While this is not anticipated to result in nonsense mediated decay, it is expected to disrupt the last 27 amino acid(s) of the FH protein. This variant is not present in population databases (gnomAD no frequency). This variant has not been reported in the literature in individuals affected with FH-related conditions. This variant disrupts a region of the FH protein in which other variant(s) (p.Trp500*) have been determined to be pathogenic (PMID: 9635293, 21398687). This suggests that this is a clinically significant region of the protein, and that variants that disrupt it are likely to be disease-causing. For these reasons, this variant has been classified as Pathogenic.

Literature cited by the submitters: PubMed 9635293 (cited by Labcorp Genetics (formerly Invitae), Labcorp); PubMed 21398687 (cited by Labcorp Genetics (formerly Invitae), Labcorp).